The following is an entry in ClinVar:

NM_000264.5(PTCH1):c.410G>A (p.Ser137Asn)

Gene: PTCH1 (patched 1; minus strand). Cytogenetic location: 9q22.32.
Variant type: single nucleotide variant.
Coding change: c.410G>A on transcript NM_000264.5 (MANE Select); coding-DNA position 410, G replaced by A.
Protein change: p.Ser137Asn; replaces serine 137 with asparagine.
Molecular consequence: missense variant. On other transcripts: 5 prime UTR variant (4), non-coding transcript variant (1).
Genome position (GRCh38, 1-based): chr9:95,485,859, C>T on the plus strand (G>A on the coding strand, the complement: PTCH1 is on the minus strand). VCF-style: chr9-95485859-C-T. GRCh37 (hg19) VCF-style: chr9-98248141-C-T.
Other names: c.212G>A, p.Ser71Asn (NM_001083602.3, NM_001354919.2); c.407G>A, p.Ser136Asn (NM_001083603.3); c.-44G>A (NM_001083604.3, NM_001083605.3, NM_001083606.3 and 1 more transcripts); c.410G>A, p.Ser137Asn (NM_001354918.2); short protein forms S71N, S136N, S137N.
Identifiers: ClinVar variation 1737907 (VCV001737907.8), dbSNP rs2118550508, ClinGen allele CA374117308.
Genomic context (GRCh38, chr9:95,485,859, plus strand): 5'-AGTTGAGGATTAAACATAGCCTCTTCTCCAATCTTCTGGCGAGTATAATTTAATTCACGA[C>T]TTACTCGTCCTCCAACTGACAAATATGTACAGGTTTAATTAGAATAGCAAAATCACTGCA-3'
Protein context (NP_000255.2, residues 127-147): ELWVEVGGRV[Ser137Asn]RELNYTRQKI

ClinVar aggregate classification (germline): Conflicting classifications of pathogenicity. Review status: criteria provided, conflicting classifications (1 of 4 stars). 2 submissions from 2 submitters: Uncertain significance (1); Likely benign (1). Last evaluated 2025-01-21.

Conditions:
Hereditary cancer-predisposing syndrome. Also called: Neoplastic Syndromes, Hereditary; Tumor predisposition; Hereditary Cancer Syndrome; Hereditary neoplastic syndrome. Identifiers: Orphanet 140162, MedGen C0027672, MeSH D009386, MONDO:0015356.
Gorlin syndrome. Also called: Nevoid Basal Cell Carcinoma Syndrome; Basal cell nevus syndrome. Identifiers: Orphanet 377, MedGen C0004779, MONDO:0007187.

Submissions (2):

Ambry Genetics
Classification: Likely benign for Hereditary cancer-predisposing syndrome. Last evaluated: 2025-01-21. Review status: criteria provided, single submitter. Criteria: Ambry Variant Classification Scheme 2023. Collection method: clinical testing. Allele origin: germline.

Labcorp Genetics (formerly Invitae), Labcorp
Classification: Uncertain significance for Gorlin syndrome. Last evaluated: 2022-09-22. Review status: criteria provided, single submitter. Criteria: Invitae Variant Classification Sherloc (09022015). Collection method: clinical testing. Allele origin: germline.
Comment: In summary, the available evidence is currently insufficient to determine the role of this variant in disease. Therefore, it has been classified as a Variant of Uncertain Significance. Advanced modeling of protein sequence and biophysical properties (such as structural, functional, and spatial information, amino acid conservation, physicochemical variation, residue mobility, and thermodynamic stability) performed at Invitae indicates that this missense variant is not expected to disrupt PTCH1 protein function. This variant has not been reported in the literature in individuals affected with PTCH1-related conditions. This variant is not present in population databases (gnomAD no frequency). This sequence change replaces serine, which is neutral and polar, with asparagine, which is neutral and polar, at codon 137 of the PTCH1 protein (p.Ser137Asn).